The following is an entry in ClinVar:

ClinVar aggregate classification (germline): Conflicting classifications of pathogenicity. Review status: criteria provided, conflicting classifications (1 of 4 stars). 3 submissions from 3 submitters: Pathogenic (1); Uncertain significance (2). Last evaluated 2026-08-06.

Conditions:
Hereditary cancer-predisposing syndrome. Also called: Hereditary Cancer Syndrome; Tumor predisposition; Hereditary neoplastic syndrome; Neoplastic Syndromes, Hereditary. Identifiers: Orphanet 140162, MedGen C0027672, MeSH D009386, MONDO:0015356.

Allele frequency attached by ClinVar (database versions not stated): gnomAD exomes 0.00001; ExAC 0.00002.
gnomAD v4.1: 3 of 1,604,720 alleles (0.00019%); highest among the groups gnomAD compares: African/African-American, 0.0013%; no homozygotes.

Submissions (3):

Ambry Genetics
Classification: Uncertain significance for Hereditary cancer-predisposing syndrome. Last evaluated: 2026-08-06. Review status: criteria provided, single submitter. Criteria: Ambry Variant Classification Scheme 2023. Collection method: clinical testing. Allele origin: germline.
Comment: The p.Q1741* variant (also known as c.5221C>T), located in coding exon 39 of the POLE gene, results from a C to T substitution at nucleotide position 5221. This changes the amino acid from a glutamine to a stop codon within coding exon 39. This alteration is expected to result in loss of function by premature protein truncation or nonsense-mediated mRNA decay. Although biallelic loss of function of POLE has been associated with autosomal recessive POLE deficiency, haploinsufficiency of POLE has not been established as a mechanism of disease for POLE-related polymerase proofreading-associated polyposis (PPAP) and POLE-related CMMRD-like syndrome. Based on the supporting evidence, this variant is expected to be causative of POLE deficiency when present along with a second pathogenic variant on the other allele; however, its clinical significance for PPAP and POLE-related CMMRD-like syndrome is unclear.

Labcorp Genetics (formerly Invitae), Labcorp
Classification: Pathogenic. Last evaluated: 2024-03-30. Review status: criteria provided, single submitter. Criteria: Invitae Variant Classification Sherloc (09022015). Collection method: clinical testing. Allele origin: germline.
Comment: This sequence change creates a premature translational stop signal (p.Gln1741*) in the POLE gene. It is expected to result in an absent or disrupted protein product. Loss-of-function variants in POLE are known to be pathogenic (PMID: 23230001, 25948378, 30503519). This variant is present in population databases (rs781481160, gnomAD 0.002%). This variant has not been reported in the literature in individuals affected with POLE-related conditions. ClinVar contains an entry for this variant (Variation ID: 505380). For these reasons, this variant has been classified as Pathogenic.

Laboratory for Molecular Medicine, Mass General Brigham Personalized Medicine
Classification: Uncertain significance. Last evaluated: 2016-11-15. Review status: criteria provided, single submitter. Criteria: LMM Criteria. Collection method: clinical testing. Allele origin: germline. Observed: 1 variant allele.
Comment: The p.Gln1741X variant in POLE has not been previously reported in individuals w ith colorectal cancer but has been identified in 2/66186 of European chromosomes by the Exome Aggregation Consortium (ExAC; dbSN P rs781481160). This nonsense variant leads to a premature termination codon at position 1741, which is predicted to lead to a truncated or absent protein. Alth ough this variant is expected severely impact the protein, the POLE gene has not yet been widely studied in patients (to date, virtually all variants reported i n patients with CRC represent missense changes). In summary, the clinical signif icance of the p.Gln1741X variant is uncertain.

Literature cited by the submitters: PubMed 23230001 (cited by Labcorp Genetics (formerly Invitae), Labcorp); PubMed 25948378 (cited by Labcorp Genetics (formerly Invitae), Labcorp); PubMed 30503519 (cited by Labcorp Genetics (formerly Invitae), Labcorp).

NM_006231.4(POLE):c.5221C>T (p.Gln1741Ter)

Gene: POLE (DNA polymerase epsilon, catalytic subunit; minus strand). Cytogenetic location: 12q24.33.
Variant type: single nucleotide variant.
Coding change: c.5221C>T on transcript NM_006231.4 (MANE Select); coding-DNA position 5221, C replaced by T.
Protein change: p.Gln1741Ter; replaces glutamine 1741 with a stop codon.
Molecular consequence: nonsense.
Genome position (GRCh38, 1-based): chr12:132,641,804, G>A on the plus strand (C>T on the coding strand, the complement: POLE is on the minus strand). VCF-style: chr12-132641804-G-A. GRCh37 (hg19) VCF-style: chr12-133218390-G-A.
Other names: short protein forms Q1741*.
Identifiers: ClinVar variation 505380 (VCV000505380.10), dbSNP rs781481160, ClinGen allele CA6892591.